The following is an entry in ClinVar:

NM_025074.7(FRAS1):c.8514G>A (p.Thr2838=)

Genes: FRAS1 (Fraser extracellular matrix complex subunit 1; plus strand), LOC126807088 (CDK7 strongly-dependent group 2 enhancer GRCh37_chr4:79402250-79403449; plus strand). Cytogenetic location: 4q21.21.
Variant type: single nucleotide variant.
Coding change: c.8514G>A on transcript NM_025074.7 (MANE Select); coding-DNA position 8514, G replaced by A.
Protein change: p.Thr2838=; no amino-acid change (threonine 2838 retained).
Molecular consequence: synonymous variant.
Genome position (GRCh38, 1-based): chr4:78,481,874, G>A. VCF-style: chr4-78481874-G-A. GRCh37 (hg19) VCF-style: chr4-79403028-G-A.
Other names: c.8514G>A (NM_025074.6).
Identifiers: ClinVar variation 2903735 (VCV002903735.5), dbSNP rs763289753, ClinGen allele CA2978399.

ClinVar aggregate classification (germline): Likely benign. Review status: criteria provided, single submitter (1 of 4 stars). 2 submissions from 2 submitters: Likely benign (1). 1 of the submissions does not count toward it. Last evaluated 2023-09-06.

Conditions:
FRAS1-related disorder. Also called: FRAS1-related condition.

Allele frequency attached by ClinVar (database versions not stated): gnomAD exomes 0.00001; ExAC 0.00002; gnomAD 0.00003.
gnomAD v4.1: 17 of 1,613,726 alleles (0.0011%); highest among the groups gnomAD compares: Middle Eastern, 0.016%; no homozygotes.

Submissions (2):

Labcorp Genetics (formerly Invitae), Labcorp
Classification: Likely benign. Last evaluated: 2023-09-06. Review status: criteria provided, single submitter. Criteria: Invitae Variant Classification Sherloc (09022015). Collection method: clinical testing. Allele origin: germline.

PreventionGenetics, part of Exact Sciences
Classification: Likely benign for FRAS1-related condition. Last evaluated: 2021-10-08. Review status: no assertion criteria provided. Collection method: clinical testing. Allele origin: germline. Not counted in ClinVar's aggregate classification.
Comment: This variant is classified as likely benign based on ACMG/AMP sequence variant interpretation guidelines (Richards et al. 2015 PMID: 25741868, with internal and published modifications).